The following is an entry in ClinVar:

NM_058195.4(CDKN2A):c.15_17del (p.Phe5del)

Gene: CDKN2A (cyclin dependent kinase inhibitor 2A; minus strand). Cytogenetic location: 9p21.3.
Variant type: Deletion.
Coding change: c.15_17del on transcript NM_058195.4 (MANE Plus Clinical); coding-DNA positions 15 to 17, 3 bases deleted (CTT; older notation c.15_17delCTT).
Protein change: p.Phe5del; deletes phenylalanine 5.
Molecular consequence: inframe deletion. On other transcripts: inframe indel (2), intron variant (1).
Genome position (GRCh38, 1-based): chr9:21,994,315-21,994,317, AAG deleted on the plus strand (CTT on the coding strand, the reverse complement: CDKN2A is on the minus strand); deleting any 3 consecutive bases within chr9:21,994,315-21,994,319 gives the same sequence; the c. name uses the placement nearest the transcript's 3' end. VCF-style (leftmost placement, unchanged base first): chr9-21994314-CAAG-C. GRCh37 (hg19) VCF-style: chr9-21994313-CAAG-C.
Other names: c.13_15delTTC, p.Phe5del (NM_058195.3); c.-4+504_-4+506del (NM_001363763.2); c.15_17delCTT (NM_058195.3); short protein forms F5del.
Identifiers: ClinVar variation 660178 (VCV000660178.11), dbSNP rs1587358674, ClinGen allele CA915947465.

ClinVar aggregate classification (germline): Uncertain significance. Review status: criteria provided, multiple submitters, no conflicts (2 of 4 stars). 2 submissions from 2 submitters: Uncertain significance (2). Last evaluated 2024-06-27.

Conditions:
Familial melanoma. Also called: Hereditary melanoma; Hereditary cutaneous melanoma. Identifiers: Orphanet 618, MedGen C1512419, MONDO:0018961.
Hereditary cancer-predisposing syndrome. Also called: Tumor predisposition; Hereditary neoplastic syndrome; Neoplastic Syndromes, Hereditary; Hereditary Cancer Syndrome. Identifiers: Orphanet 140162, MedGen C0027672, MeSH D009386, MONDO:0015356.

Submissions (2):

Ambry Genetics
Classification: Uncertain significance for Hereditary cancer-predisposing syndrome. Last evaluated: 2024-06-27. Review status: criteria provided, single submitter. Criteria: Ambry Variant Classification Scheme 2023. Collection method: clinical testing. Allele origin: germline.
Comment: The c.15_17delCTT variant (also known as p.F5del) is located in coding exon 1 of the CDKN2A (p14ARF) gene. This variant results from an in-frame CTT deletion at nucleotide positions 15 to 17. This results in the in-frame deletion of a phenylalanine at codon 5. This amino acid position is well conserved in available vertebrate species. In addition, this alteration is predicted to be deleterious by in silico analysis (Choi Y et al. PLoS ONE. 2012; 7(10):e46688). Based on the available evidence, the clinical significance of this variant remains unclear.

Labcorp Genetics (formerly Invitae), Labcorp
Classification: Uncertain significance for Familial melanoma. Last evaluated: 2021-09-24. Review status: criteria provided, single submitter. Criteria: Invitae Variant Classification Sherloc (09022015). Collection method: clinical testing. Allele origin: germline.